The following is an entry in ClinVar:

ClinVar aggregate classification (germline): Uncertain significance (1 of 4 stars; one submission).

Conditions:
Inborn genetic diseases. Identifiers: MedGen C0950123, MeSH D030342.

Submission:

Ambry Genetics
Classification: Uncertain significance for Inborn genetic diseases. Last evaluated: 2024-12-06. Review status: criteria provided, single submitter. Criteria: Ambry Variant Classification Scheme 2023. Collection method: clinical testing. Allele origin: germline.
Comment: The p.G590A variant (also known as c.1769G>C), located in coding exon 14 of the DNMT3A gene, results from a G to C substitution at nucleotide position 1769. The glycine at codon 590 is replaced by alanine, an amino acid with similar properties. This amino acid position is conserved. In addition, this alteration is predicted to be tolerated by in silico analysis. Based on the available evidence, the clinical significance of this variant remains unclear.

NM_022552.5(DNMT3A):c.1769G>C (p.Gly590Ala)

Gene: DNMT3A (DNA methyltransferase 3 alpha; minus strand). Cytogenetic location: 2p23.3.
Variant type: single nucleotide variant.
Coding change: c.1769G>C on transcript NM_022552.5 (MANE Select); coding-DNA position 1769, G replaced by C.
Protein change: p.Gly590Ala; replaces glycine 590 with alanine.
Molecular consequence: missense variant. On other transcripts: non-coding transcript variant (1).
Genome position (GRCh38, 1-based): chr2:25,244,237, C>G on the plus strand (G>C on the coding strand, the complement: DNMT3A is on the minus strand). VCF-style: chr2-25244237-C-G. GRCh37 (hg19) VCF-style: chr2-25467106-C-G.
Other names: c.1313G>C, p.Gly438Ala (NM_001320893.1); c.1100G>C, p.Gly367Ala (NM_001375819.1); c.1202G>C, p.Gly401Ala (NM_153759.3); c.1769G>C, p.Gly590Ala (NM_175629.2); short protein forms G401A, G438A, G590A, G367A.
Identifiers: ClinVar variation 3504251 (VCV003504251.1).
Genomic context (GRCh38, chr2:25,244,237, plus strand): 5'-GCGAAGAACATCTGGAGCCGGGAGGGCCAGTCCTCTCGCCGCCGCAGCAGCCCGTAGGTA[C>G]CCTTGTGCCCGCACATGTAGCAGTTCCAGGGGTCTTCCTTAATGGCTGCCTGGGCAGCCC-3'
Protein context (NP_072046.2, residues 580-600): PWNCYMCGHK[Gly590Ala]TYGLLRRRED